The following is an entry in ClinVar:

ClinVar aggregate classification (germline): Uncertain significance (1 of 4 stars; one submission).

Conditions:
Severe early-onset pulmonary alveolar proteinosis due to MARS deficiency. Also called: PULMONARY ALVEOLAR PROTEINOSIS, REUNION ISLAND; Interstitial lung and liver disease. Identifiers: Orphanet 440427, MedGen C4225400, MONDO:0014206, OMIM 615486.
Charcot-Marie-Tooth disease axonal type 2U. Also called: CHARCOT-MARIE-TOOTH NEUROPATHY, TYPE 2U; CHARCOT-MARIE-TOOTH DISEASE, AXONAL, AUTOSOMAL DOMINANT, TYPE 2U. Identifiers: Orphanet 397735, MedGen C4084821, MONDO:0014566, OMIM 616280.

gnomAD v4.1: 2 of 1,614,050 alleles (0.00012%); highest among the groups gnomAD compares: African/African-American, 0.0027%; no homozygotes.

Submission:

Labcorp Genetics (formerly Invitae), Labcorp
Classification: Uncertain significance for Charcot-Marie-Tooth disease axonal type 2U; Severe early-onset pulmonary alveolar proteinosis due to MARS deficiency. Last evaluated: 2024-09-12. Review status: criteria provided, single submitter. Criteria: Invitae Variant Classification Sherloc (09022015). Collection method: clinical testing. Allele origin: germline.
Comment: This sequence change replaces glycine, which is neutral and non-polar, with arginine, which is basic and polar, at codon 20 of the MARS protein (p.Gly20Arg). This variant is present in population databases (no rsID available, gnomAD 0.01%). This variant has not been reported in the literature in individuals affected with MARS-related conditions. An algorithm developed to predict the effect of missense changes on protein structure and function outputs the following: PolyPhen-2: "Benign". The arginine amino acid residue is found in multiple mammalian species, which suggests that this missense change does not adversely affect protein function. In summary, the available evidence is currently insufficient to determine the role of this variant in disease. Therefore, it has been classified as a Variant of Uncertain Significance.

NM_004990.4(MARS1):c.58G>A (p.Gly20Arg)

Genes: ARHGAP9 (Rho GTPase activating protein 9; minus strand), MARS1 (methionyl-tRNA synthetase 1; plus strand). Cytogenetic location: 12q13.3.
Variant type: single nucleotide variant.
Coding change: c.58G>A on transcript NM_004990.4 (MANE Select); coding-DNA position 58, G replaced by A.
Protein change: p.Gly20Arg; replaces glycine 20 with arginine.
Molecular consequence: missense variant. On other transcripts: intron variant (1).
Genome position (GRCh38, 1-based): chr12:57,488,148, G>A. VCF-style: chr12-57488148-G-A. GRCh37 (hg19) VCF-style: chr12-57881931-G-A.
Other names: c.-204+464C>T (NM_001319850.2); short protein forms G20R.
Identifiers: ClinVar variation 3762779 (VCV003762779.2).
Genomic context (GRCh38, chr12:57,488,148, plus strand): 5'-GAAATGAGACTGTTCGTGAGTGATGGCGTCCCGGGTTGCTTGCCGGTGCTGGCCGCCGCC[G>A]GGAGAGCCCGGGGCAGAGCAGAGGTGCTCATCAGCACTGTAGGCCCGGAAGGTACTCGTG-3'
Protein context (NP_004981.2, residues 10-30): PGCLPVLAAA[Gly20Arg]RARGRAEVLI